The following is an entry in ClinVar:

ClinVar aggregate classification (germline): Uncertain significance (1 of 4 stars; one submission).

Allele frequency attached by ClinVar (database versions not stated): gnomAD 0.00007; TOPMed 0.00009; gnomAD exomes 0.00012 and 0.00013; ESP Exome Variant Server 0.00015; ExAC 0.00016.
gnomAD v4.1: 183 of 1,612,966 alleles (0.011%); highest among the groups gnomAD compares: Non-Finnish European, 0.013%; no homozygotes.

Submission:

CeGaT Center for Human Genetics Tuebingen
Classification: Uncertain significance. Last evaluated: 2026-08-01. Review status: criteria provided, single submitter. Criteria: CeGaT Center For Human Genetics Tuebingen Variant Classification Criteria Version 2. Collection method: clinical testing. Allele origin: germline. Affected: yes. Observed: 3 variant alleles.
Comment: SLC39A4: PM2, PM3, PP4:Moderate, BP4

NM_130849.4(SLC39A4):c.805-24T>C

Gene: SLC39A4 (solute carrier family 39 member 4; minus strand). Cytogenetic location: 8q24.3.
Variant type: single nucleotide variant.
Coding change: c.805-24T>C on transcript NM_130849.4 (MANE Select); 24 bases into the intron before coding-DNA position 805, T replaced by C.
Molecular consequence: intron variant.
Genome position (GRCh38, 1-based): chr8:144,414,920, A>G on the plus strand (T>C on the coding strand, the complement: SLC39A4 is on the minus strand). VCF-style: chr8-144414920-A-G. GRCh37 (hg19) VCF-style: chr8-145640304-A-G.
Other names: c.523-24T>C (NM_001374839.1); c.730-24T>C (NM_017767.3).
Identifiers: ClinVar variation 1335722 (VCV001335722.35), dbSNP rs376903419, ClinGen allele CA4941521.